The following is an entry in ClinVar:

ClinVar aggregate classification (germline): Uncertain significance. Review status: criteria provided, multiple submitters, no conflicts (2 of 4 stars). 2 submissions from 2 submitters: Uncertain significance (2). Last evaluated 2025-10-15.

Allele frequency attached by ClinVar (database versions not stated): TOPMed below 0.00001; gnomAD exomes 0.00003 and 0.00009; ExAC 0.00023.
gnomAD v4.1: 43 of 1,542,774 alleles (0.0028%); highest among the groups gnomAD compares: South Asian, 0.046%; 2 homozygotes.

Submissions (2):

Ambry Genetics
Classification: Uncertain significance. Last evaluated: 2025-10-15. Review status: criteria provided, single submitter. Criteria: Ambry Variant Classification Scheme 2023. Collection method: clinical testing. Allele origin: germline.

Labcorp Genetics (formerly Invitae), Labcorp
Classification: Uncertain significance. Last evaluated: 2025-10-01. Review status: criteria provided, single submitter. Criteria: Invitae Variant Classification Sherloc (09022015). Collection method: clinical testing. Allele origin: germline.
Comment: This sequence change replaces threonine, which is neutral and polar, with alanine, which is neutral and non-polar, at codon 252 of the DTHD1 protein (p.Thr252Ala). This variant is present in population databases (rs748136362, gnomAD 0.06%). This variant has not been reported in the literature in individuals affected with DTHD1-related conditions. ClinVar contains an entry for this variant (Variation ID: 1515039). An algorithm developed to predict the effect of missense changes on protein structure and function (PolyPhen-2) suggests that this variant is likely to be tolerated. In summary, the available evidence is currently insufficient to determine the role of this variant in disease. Therefore, it has been classified as a Variant of Uncertain Significance.

NM_001170700.3(DTHD1):c.1624A>G (p.Thr542Ala)

Gene: DTHD1 (death domain containing 1; plus strand). Cytogenetic location: 4p14.
Variant type: single nucleotide variant.
Coding change: c.1624A>G on transcript NM_001170700.3 (MANE Select); coding-DNA position 1624, A replaced by G.
Protein change: p.Thr542Ala; replaces threonine 542 with alanine.
Molecular consequence: missense variant. On other transcripts: non-coding transcript variant (2).
Genome position (GRCh38, 1-based): chr4:36,295,020, A>G. VCF-style: chr4-36295020-A-G. GRCh37 (hg19) VCF-style: chr4-36296642-A-G.
Other names: c.1249A>G (NM_001170700.1); c.754A>G, p.Thr252Ala (NM_001136536.5); c.691A>G, p.Thr231Ala (NM_001378435.1); short protein forms T231A, T252A, T542A.
Identifiers: ClinVar variation 1515039 (VCV001515039.7), dbSNP rs748136362, ClinGen allele CA2885654.